The following is an entry in ClinVar:

ClinVar aggregate classification (germline): Likely pathogenic (1 of 4 stars; one submission).

Submission:

GeneDx
Classification: Likely pathogenic. Last evaluated: 2014-11-18. Review status: criteria provided, single submitter. Criteria: GeneDx Variant Classification (06012015). Collection method: clinical testing. Allele origin: germline. Affected: yes.
Comment: p.Asn465His (AAC>CAC): c.1393 A>C in exon 11 of the ADCK3 gene (NM_020247.4). The N465H variant that is likely pathogenic was identified in the ADCK3 gene. It has not been published as a mutation, nor has it been reported as a benign polymorphism to our knowledge. The N465H variant is a semi-conservative amino acid substitution, which may impact secondary protein structure as these residues differ in some properties. This substitution occurs at a position that is conserved across species. In silico analysis predicts this variant is probably damaging to the protein structure/function. Therefore, this variant is a strong candidate for a pathogenic mutation, however the possibility that it is a benign variant cannot be excluded. The variant is found in MITONUC-MITOP panel(s).

NM_020247.5(COQ8A):c.1393A>C (p.Asn465His)

Gene: COQ8A (coenzyme Q8A; plus strand). Cytogenetic location: 1q42.13.
Variant type: single nucleotide variant.
Coding change: c.1393A>C on transcript NM_020247.5 (MANE Select); coding-DNA position 1393, A replaced by C.
Protein change: p.Asn465His; replaces asparagine 465 with histidine.
Molecular consequence: missense variant.
Genome position (GRCh38, 1-based): chr1:226,984,230, A>C. VCF-style: chr1-226984230-A-C. GRCh37 (hg19) VCF-style: chr1-227171931-A-C.
Other names: p.N465H:AAC>CAC; short protein forms N465H.
Identifiers: ClinVar variation 214048 (VCV000214048.2), dbSNP rs863223887, ClinGen allele CA320507.